The following is an entry in ClinVar:

ClinVar aggregate classification (germline): Pathogenic. Review status: criteria provided, multiple submitters, no conflicts (2 of 4 stars). 5 submissions from 5 submitters: Pathogenic (4). 1 of the submissions does not count toward it. Last evaluated 2025-07-18.

Conditions:
CYP17A1-related disorder. Also called: CYP17A1-related condition.
Deficiency of steroid 17-alpha-monooxygenase. Also called: ADRENAL HYPERPLASIA V; Congenital adrenal hyperplasia due to 17-alpha-hydroxylase deficiency; Congenital adrenal hyperplasia type 5; 17-alpha-hydroxylase/17,20-lyase deficiency; 17-ALPHA-HYDROXYLASE DEFICIENCY. Identifiers: Orphanet 90793, MedGen C0268285, MONDO:0008730, OMIM 202110.

Allele frequency attached by ClinVar (database versions not stated): gnomAD 0.00002; TOPMed 0.00002.

Submissions (5):

Natera, Inc.
Classification: Pathogenic for Deficiency of steroid 17-alpha-monooxygenase. Last evaluated: 2025-07-18. Review status: criteria provided, single submitter. Criteria: Natera Variant Classification Schema (03/2026). Collection method: clinical testing. Allele origin: germline.
Comment: The c.1226C>G variant in CYP17A1 is a missense variant predicted to cause substitution of proline to arginine at amino acid 409. This variant is rare in the general population with a frequency below the threshold expected for the associated phenotype(s). This variant has been observed in one or more individuals affected with the associated recessive disease, as either homozygous or compound heterozygous with a second variant (PMID: 35032013, 25027547, 17379008). Functional studies show that this variant may disrupt protein function (PMID: 23291414). Computational prediction algorithms indicate this variant is likely to affect gene or protein function. Given the available evidence, this variant is classified as Pathogenic.

Labcorp Genetics (formerly Invitae), Labcorp
Classification: Pathogenic. Last evaluated: 2024-07-24. Review status: criteria provided, single submitter. Criteria: Invitae Variant Classification Sherloc (09022015). Collection method: clinical testing. Allele origin: germline.
Comment: This sequence change replaces proline, which is neutral and non-polar, with arginine, which is basic and polar, at codon 409 of the CYP17A1 protein (p.Pro409Arg). This variant is present in population databases (rs367833709, gnomAD 0.03%). This missense change has been observed in individual(s) with 17-alpha-hydroxylase deficiency (PMID: 11243732, 20170344, 22087567, 22954317). In at least one individual the data is consistent with being in trans (on the opposite chromosome) from a pathogenic variant. This variant is also known as g.5582C>G. ClinVar contains an entry for this variant (Variation ID: 1322182). An algorithm developed to predict the effect of missense changes on protein structure and function (PolyPhen-2) suggests that this variant is likely to be disruptive. Experimental studies have shown that this missense change affects CYP17A1 function (PMID: 11243732, 23291414). For these reasons, this variant has been classified as Pathogenic.

Fulgent Genetics
Classification: Pathogenic for Deficiency of steroid 17-alpha-monooxygenase. Last evaluated: 2021-12-22. Review status: criteria provided, single submitter. Criteria: ACMG Guidelines, 2015. Collection method: clinical testing. Allele origin: unknown.

Revvity Omics, Revvity
Classification: Pathogenic for Deficiency of steroid 17-alpha-monooxygenase. Last evaluated: 2019-05-01. Review status: criteria provided, single submitter. Criteria: ACMG Guidelines, 2015. Collection method: clinical testing. Allele origin: germline.

PreventionGenetics, part of Exact Sciences
Classification: Pathogenic for CYP17A1-related condition. Last evaluated: 2024-03-15. Review status: no assertion criteria provided. Collection method: clinical testing. Allele origin: germline. Not counted in ClinVar's aggregate classification.
Comment: The CYP17A1 c.1226C>G variant is predicted to result in the amino acid substitution p.Pro409Arg. This variant (also known as g.5582C>G) was reported in the compound heterozygous state in individuals with 17-alpha-hydroxylase deficiency (Lam et al 2001. PubMed ID: 11243732; Bee and Papari-Zareei. 2012. PubMed ID: 22087567). Functional studies also indicate this variant impacts 17-alpha-hydroxylase activity (Lam et al 2001. PubMed ID: 11243732; Han et al. 2013. PubMed ID: 23291414). This variant is reported in 0.030% of alleles in individuals of East Asian descent in gnomAD. This variant is interpreted as pathogenic.

Literature cited by the submitters: PubMed 35032013 (cited by Natera, Inc.); PubMed 25027547 (cited by Natera, Inc.); PubMed 17379008 (cited by Natera, Inc.); PubMed 23291414 (cited by Natera, Inc. and Labcorp Genetics (formerly Invitae), Labcorp); PubMed 11243732 (cited by Labcorp Genetics (formerly Invitae), Labcorp); PubMed 20170344 (cited by Labcorp Genetics (formerly Invitae), Labcorp); PubMed 22087567 (cited by Labcorp Genetics (formerly Invitae), Labcorp); PubMed 22954317 (cited by Labcorp Genetics (formerly Invitae), Labcorp).

NM_000102.4(CYP17A1):c.1226C>G (p.Pro409Arg)

Gene: CYP17A1 (cytochrome P450 family 17 subfamily A member 1; minus strand). Cytogenetic location: 10q24.32.
Variant type: single nucleotide variant.
Coding change: c.1226C>G on transcript NM_000102.4 (MANE Select); coding-DNA position 1226, C replaced by G.
Protein change: p.Pro409Arg; replaces proline 409 with arginine.
Molecular consequence: missense variant.
Genome position (GRCh38, 1-based): chr10:102,831,525, G>C on the plus strand (C>G on the coding strand, the complement: CYP17A1 is on the minus strand). VCF-style: chr10-102831525-G-C. GRCh37 (hg19) VCF-style: chr10-104591282-G-C.
Other names: short protein forms P409R.
Identifiers: ClinVar variation 1322182 (VCV001322182.16), dbSNP rs367833709, ClinGen allele CA5669371.